The following is an entry in ClinVar:

ClinVar aggregate classification (germline): Uncertain significance (1 of 4 stars; one submission).

Conditions:
Hereditary cancer-predisposing syndrome. Also called: Neoplastic Syndromes, Hereditary; Tumor predisposition; Hereditary Cancer Syndrome; Hereditary neoplastic syndrome. Identifiers: Orphanet 140162, MedGen C0027672, MeSH D009386, MONDO:0015356.

Submission:

Ambry Genetics
Classification: Uncertain significance for Hereditary cancer-predisposing syndrome. Last evaluated: 2025-10-12. Review status: criteria provided, single submitter. Criteria: Ambry Variant Classification Scheme 2023. Collection method: clinical testing. Allele origin: germline.
Comment: The p.V36E variant (also known as c.107T>A), located in coding exon 2 of the EPCAM gene, results from a T to A substitution at nucleotide position 107. The valine at codon 36 is replaced by glutamic acid, an amino acid with dissimilar properties. This amino acid position is conserved. In addition, this alteration is predicted to be tolerated by in silico analysis. Based on the available evidence, the clinical significance of this variant remains unclear.

NM_002354.3(EPCAM):c.107T>A (p.Val36Glu)

Gene: EPCAM (epithelial cell adhesion molecule; plus strand). Cytogenetic location: 2p21.
Variant type: single nucleotide variant.
Coding change: c.107T>A on transcript NM_002354.3 (MANE Select); coding-DNA position 107, T replaced by A.
Protein change: p.Val36Glu; replaces valine 36 with glutamic acid.
Molecular consequence: missense variant.
Genome position (GRCh38, 1-based): chr2:47,373,493, T>A. VCF-style: chr2-47373493-T-A. GRCh37 (hg19) VCF-style: chr2-47600632-T-A.
Other names: short protein forms V36E.
Identifiers: ClinVar variation 4640380 (VCV004640380.1).